The following is an entry in ClinVar:

NM_020338.4(ZMIZ1):c.783del (p.Ala262fs)

Gene: ZMIZ1 (zinc finger MIZ-type containing 1; plus strand). Cytogenetic location: 10q22.3.
Variant type: Deletion.
Coding change: c.783del on transcript NM_020338.4 (MANE Select); coding-DNA position 783, one base deleted (C; older notation c.783delC).
Protein change: p.Ala262fs; shifts the reading frame from alanine 262.
Molecular consequence: frameshift variant.
Genome position (GRCh38, 1-based): chr10:79,292,182, C deleted; the last of 5 consecutive C bases (chr10:79,292,178-79,292,182); deleting any one gives the same sequence. VCF-style (leftmost placement, unchanged base first): chr10-79292177-GC-G. GRCh37 (hg19) VCF-style: chr10-81051934-GC-G.
Other names: short protein forms A262fs.
Identifiers: ClinVar variation 1071297 (VCV001071297.7), dbSNP rs2132032720, ClinGen allele CA2499220398.

ClinVar aggregate classification (germline): Pathogenic (1 of 4 stars; one submission).

Submission:

Labcorp Genetics (formerly Invitae), Labcorp
Classification: Pathogenic. Last evaluated: 2020-04-01. Review status: criteria provided, single submitter. Criteria: Invitae Variant Classification Sherloc (09022015). Collection method: clinical testing. Allele origin: germline.
Comment: This variant is not present in population databases (ExAC no frequency). This variant has not been reported in the literature in individuals with ZMIZ1-related conditions. Loss-of-function variants in ZMIZ1 are known to be pathogenic (PMID: 30639322). For these reasons, this variant has been classified as Pathogenic. This sequence change creates a premature translational stop signal (p.Ala262Glnfs*53) in the ZMIZ1 gene. It is expected to result in an absent or disrupted protein product.

Literature cited by the submitters: PubMed 30639322.